The following is an entry in ClinVar:

ClinVar aggregate classification (germline): Likely pathogenic (1 of 4 stars; one submission).

Conditions:
Hypertrophic cardiomyopathy 4. Also called: Familial hypertrophic cardiomyopathy 4. Identifiers: MedGen C1861862, MONDO:0007268, OMIM 115197.

Submission:

Rajaie Cardiovascular, Medical and Research Center, Iran University of Medical Sciences
Classification: Likely pathogenic for Hypertrophic cardiomyopathy 4. Review status: criteria provided, single submitter. Criteria: ACMG Guidelines, 2015. Collection method: research. Allele origin: germline. Inheritance: Autosomal dominant inheritance. Affected: yes. Observed: 1 variant allele, 1 heterozygote.
Comment: This variant was classified as likely pathogenic according to the ACMG/AMP guidelines. The MYBPC3 c.3367dupC variant is predicted to cause a frameshift and premature termination codon, consistent with loss of function, which is an established disease mechanism for MYBPC3-associated hypertrophic cardiomyopathy (PVS1). The variant is absent or extremely rare in population databases (PM2). Taken together, the available evidence supports a likely pathogenic classification.

NM_000256.3(MYBPC3):c.3367dup (p.His1123fs)

Gene: MYBPC3 (myosin binding protein C3; minus strand). Cytogenetic location: 11p11.2.
Variant type: Duplication.
Coding change: c.3367dup on transcript NM_000256.3 (MANE Select); coding-DNA position 3367, one base duplicated (C; older notation c.3367dupC).
Protein change: p.His1123fs; shifts the reading frame from histidine 1123.
Molecular consequence: frameshift variant.
Genome position (GRCh38, 1-based): chr11:47,332,937, G duplicated on the plus strand (C on the coding strand, the reverse complement: MYBPC3 is on the minus strand); the first of 3 consecutive G bases (chr11:47,332,937-47,332,939); duplicating any one gives the same sequence. VCF-style (leftmost placement, unchanged base first): chr11-47332936-T-TG. GRCh37 (hg19) VCF-style: chr11-47354487-T-TG.
Other names: c.3367dupC (NM_000256.3); short protein forms H1123fs.
Identifiers: ClinVar variation 4857760 (VCV004857760.1).